The following is an entry in ClinVar:

NM_002693.3(POLG):c.2437GTG[1] (p.Val814del)

Gene: POLG (DNA polymerase gamma, catalytic subunit; minus strand). Cytogenetic location: 15q26.1.
Variant type: Microsatellite.
Coding change: c.2437GTG[1] on transcript NM_002693.3 (MANE Select); one copy of the 3-base unit GTG starting at c.2437; the reference has two copies in a row; one copy, 3 bases deleted; also written c.2440_2442del.
Protein change: p.Val814del; deletes valine 814.
Molecular consequence: inframe deletion.
Genome position (GRCh38, 1-based): chr15:89,322,000-89,322,002, CAC deleted on the plus strand (GTG on the coding strand, the reverse complement: POLG is on the minus strand); deleting any 3 consecutive bases within chr15:89,322,000-89,322,007 gives the same sequence; the position shown is the placement nearest the transcript's 3' end. VCF-style (leftmost placement, unchanged base first): chr15-89321999-ACAC-A. GRCh37 (hg19) VCF-style: chr15-89865230-ACAC-A.
Other names: c.2440_2442del (NM_002693.2); c.2437GTG[1], p.Val814del (NM_001126131.2); c.2440_2442delGTG (NM_002693.2); short protein forms V814del.
Identifiers: ClinVar variation 619327 (VCV000619327.26), dbSNP rs1596353095, ClinGen allele CA10602228.

ClinVar aggregate classification (germline): Conflicting classifications of pathogenicity. Review status: criteria provided, conflicting classifications (1 of 4 stars). 4 submissions from 4 submitters: Likely pathogenic (1); Uncertain significance (3). Last evaluated 2023-07-01.

Conditions:
Progressive sclerosing poliodystrophy (MTDPS4A). Also called: Mitochondrial DNA Depletion Syndrome 4A; Mitochondrial DNA depletion syndrome 4A (Alpers type); NEURONAL DEGENERATION OF CHILDHOOD WITH LIVER DISEASE, PROGRESSIVE; Alpers-Huttenlocher Syndrome (AHS); ALPERS PROGRESSIVE INFANTILE POLIODYSTROPHY; Alpers Syndrome. Identifiers: Orphanet 726, MedGen C0205710, MONDO:0008758, OMIM 203700.
POLG-related disorder. Also called: POLG-Related Spectrum Disorders; POLG-related condition; POLG-Related Disorders. Identifiers: MedGen C4763519.

Submissions (4):

CeGaT Center for Human Genetics Tuebingen
Classification: Uncertain significance. Last evaluated: 2023-07-01. Review status: criteria provided, single submitter. Criteria: CeGaT Center For Human Genetics Tuebingen Variant Classification Criteria Version 2. Collection method: clinical testing. Allele origin: germline. Affected: yes. Observed: 1 variant allele.
Comment: POLG: PM2, PM4

PreventionGenetics, part of Exact Sciences
Classification: Likely pathogenic for POLG-related condition. Last evaluated: 2023-01-11. Review status: criteria provided, single submitter. Criteria: ACMG Guidelines, 2015. Collection method: clinical testing. Allele origin: germline.
Comment: The POLG c.2440_2442delGTG variant is predicted to result in an in-frame deletion (p.Val814del). To our knowledge, this variant has not been reported in the literature or in a large population database, indicating this variant is rare. A missense substitution affecting valine 814 was reported with a second suspected pathogenic variant in an individual with ophthalmoplegia, ptosis, dysphagia, and sensory neural hearing loss (Heighton et al. 2019. PubMed ID: 31521625, supplemental table 1). This variant is classified as likely pathogenic.

Labcorp Genetics (formerly Invitae), Labcorp
Classification: Uncertain significance for Progressive sclerosing poliodystrophy. Last evaluated: 2022-03-12. Review status: criteria provided, single submitter. Criteria: Invitae Variant Classification Sherloc (09022015). Collection method: clinical testing. Allele origin: germline.
Comment: This variant, c.2440_2442del, results in the deletion of 1 amino acid(s) of the POLG protein (p.Val814del), but otherwise preserves the integrity of the reading frame. This variant is not present in population databases (gnomAD no frequency). This variant has not been reported in the literature in individuals affected with POLG-related conditions. ClinVar contains an entry for this variant (Variation ID: 619327). Experimental studies and prediction algorithms are not available or were not evaluated, and the functional significance of this variant is currently unknown. In summary, the available evidence is currently insufficient to determine the role of this variant in disease. Therefore, it has been classified as a Variant of Uncertain Significance.

Wong Mito Lab, Molecular and Human Genetics, Baylor College of Medicine
Classification: Uncertain significance for Progressive sclerosing poliodystrophy. Last evaluated: 2018-10-01. Review status: criteria provided, single submitter. Criteria: ACMG Guidelines, 2015. Collection method: clinical testing. Allele origin: germline.
Comment: The NM_002693.2:c.2440_2442del (NP_002684.1:p.Val814del) [GRCH38: NC_000015.10:g.89322005_89322007del] variant in POLG gene is interpretated to be a Uncertain Significance based on ACMG guidelines (PMID: 25741868). This variant meets the following evidence codes reported in the ACMG-guideline. PM1:This variant is in mutational hot spot or a well-studied functional domain without benign variation. PM2:This variant is absent in key population databases. Based on the evidence criteria codes applied, the variant is suggested to be Uncertain Significance.